The following is an entry in ClinVar:

NM_152564.5(VPS13B):c.7840C>T (p.Gln2614Ter)

Gene: VPS13B (vacuolar protein sorting 13 homolog B; plus strand). Cytogenetic location: 8q22.2.
Variant type: single nucleotide variant.
Coding change: c.7840C>T on transcript NM_152564.5 (MANE Select); coding-DNA position 7840, C replaced by T.
Protein change: p.Gln2614Ter; replaces glutamine 2614 with a stop codon.
Molecular consequence: nonsense.
Genome position (GRCh38, 1-based): chr8:99,784,375, C>T. VCF-style: chr8-99784375-C-T. GRCh37 (hg19) VCF-style: chr8-100796603-C-T.
Other names: c.7915C>T, p.Gln2639Ter (NM_017890.5); short protein forms Q2614*, Q2639*.
Identifiers: ClinVar variation 3603425 (VCV003603425.2).

ClinVar aggregate classification (germline): Pathogenic (1 of 4 stars; one submission).

Conditions:
Cohen syndrome (COH1). Also called: Cutis verticis gyrata, retinitis pigmentosa, and sensorineural deafness; PEPPER SYNDROME. Identifiers: Orphanet 193, MedGen C0265223, MONDO:0008999, OMIM 216550.

gnomAD v4.1: 8 of 1,613,742 alleles (0.0005%); highest among the groups gnomAD compares: Non-Finnish European, 0.00068%; no homozygotes.

Submission:

Labcorp Genetics (formerly Invitae), Labcorp
Classification: Pathogenic for Cohen syndrome. Last evaluated: 2024-02-04. Review status: criteria provided, single submitter. Criteria: Invitae Variant Classification Sherloc (09022015). Collection method: clinical testing. Allele origin: germline.
Comment: This sequence change creates a premature translational stop signal (p.Gln2639*) in the VPS13B gene. It is expected to result in an absent or disrupted protein product. Loss-of-function variants in VPS13B are known to be pathogenic (PMID: 15141358, 16648375, 20461111). This variant is not present in population databases (gnomAD no frequency). This variant has not been reported in the literature in individuals affected with VPS13B-related conditions. For these reasons, this variant has been classified as Pathogenic.

Literature cited by the submitters: PubMed 15141358; PubMed 16648375; PubMed 20461111.